The following is an entry in ClinVar:

ClinVar aggregate classification (germline): Uncertain significance. Review status: criteria provided, multiple submitters, no conflicts (2 of 4 stars). 2 submissions from 2 submitters: Uncertain significance (2). Last evaluated 2025-02-08.

Conditions:
Norman-Roberts syndrome (LIS2). Also called: Lissencephaly 2 (Norman-Roberts type). Identifiers: Orphanet 89844, MedGen C0796089, MONDO:0009760, OMIM 257320.
Familial temporal lobe epilepsy 7. Identifiers: Orphanet 101046, MedGen C4225327, MONDO:0014639, OMIM 616436.
Inborn genetic diseases. Identifiers: MedGen C0950123, MeSH D030342.

Allele frequency attached by ClinVar (database versions not stated): gnomAD exomes below 0.00001; ExAC 0.00001; gnomAD 0.00002; TOPMed 0.00002.
gnomAD v4.1: 48 of 1,613,726 alleles (0.003%); highest among the groups gnomAD compares: East Asian, 0.0045%; no homozygotes.

Submissions (2):

Ambry Genetics
Classification: Uncertain significance for Inborn genetic diseases. Last evaluated: 2025-02-08. Review status: criteria provided, single submitter. Criteria: Ambry Variant Classification Scheme 2023. Collection method: clinical testing. Allele origin: germline.

Labcorp Genetics (formerly Invitae), Labcorp
Classification: Uncertain significance for Familial temporal lobe epilepsy 7; Norman-Roberts syndrome. Last evaluated: 2024-07-24. Review status: criteria provided, single submitter. Criteria: Invitae Variant Classification Sherloc (09022015). Collection method: clinical testing. Allele origin: germline.
Comment: This sequence change replaces arginine, which is basic and polar, with glutamine, which is neutral and polar, at codon 1775 of the RELN protein (p.Arg1775Gln). The frequency data for this variant in the population databases is considered unreliable, as metrics indicate poor data quality at this position in the gnomAD database. This variant has not been reported in the literature in individuals affected with RELN-related conditions. ClinVar contains an entry for this variant (Variation ID: 1001757). Advanced modeling of protein sequence and biophysical properties (such as structural, functional, and spatial information, amino acid conservation, physicochemical variation, residue mobility, and thermodynamic stability) performed at Invitae indicates that this missense variant is not expected to disrupt RELN protein function with a negative predictive value of 80%. In summary, the available evidence is currently insufficient to determine the role of this variant in disease. Therefore, it has been classified as a Variant of Uncertain Significance.

NM_005045.4(RELN):c.5324G>A (p.Arg1775Gln)

Gene: RELN (reelin; minus strand). Cytogenetic location: 7q22.1.
Variant type: single nucleotide variant.
Coding change: c.5324G>A on transcript NM_005045.4 (MANE Select); coding-DNA position 5324, G replaced by A.
Protein change: p.Arg1775Gln; replaces arginine 1775 with glutamine.
Molecular consequence: missense variant.
Genome position (GRCh38, 1-based): chr7:103,561,840, C>T on the plus strand (G>A on the coding strand, the complement: RELN is on the minus strand). VCF-style: chr7-103561840-C-T. GRCh37 (hg19) VCF-style: chr7-103202287-C-T.
Other names: c.5324G>A, p.Arg1775Gln (NM_173054.3); c.5324G>A (NM_005045.3); short protein forms R1775Q.
Identifiers: ClinVar variation 1001757 (VCV001001757.9), dbSNP rs748363492, ClinGen allele CA4421251.